The following is an entry in ClinVar:

NM_020832.3(ZNF687):c.1366G>T (p.Ala456Ser)

Gene: ZNF687 (zinc finger protein 687; plus strand). Cytogenetic location: 1q21.3.
Variant type: single nucleotide variant.
Coding change: c.1366G>T on transcript NM_020832.3 (MANE Select); coding-DNA position 1366, G replaced by T.
Protein change: p.Ala456Ser; replaces alanine 456 with serine.
Molecular consequence: missense variant.
Genome position (GRCh38, 1-based): chr1:151,287,657, G>T. VCF-style: chr1-151287657-G-T. GRCh37 (hg19) VCF-style: chr1-151260133-G-T.
Other names: c.1366G>T, p.Ala456Ser (NM_001304763.2, NM_001304764.2); short protein forms A456S.
Identifiers: ClinVar variation 2821145 (VCV002821145.3), dbSNP rs2528505252, ClinGen allele CA341939661.

ClinVar aggregate classification (germline): Uncertain significance (1 of 4 stars; one submission).

Allele frequency attached by ClinVar (database versions not stated): gnomAD exomes below 0.00001.
gnomAD v4.1: 1 of 1,613,390 alleles (0.000062%); highest among the groups gnomAD compares: African/African-American, 0.0013%; no homozygotes.

Submission:

Labcorp Genetics (formerly Invitae), Labcorp
Classification: Uncertain significance. Last evaluated: 2024-10-21. Review status: criteria provided, single submitter. Criteria: Invitae Variant Classification Sherloc (09022015). Collection method: clinical testing. Allele origin: germline.
Comment: This sequence change replaces alanine, which is neutral and non-polar, with serine, which is neutral and polar, at codon 456 of the ZNF687 protein (p.Ala456Ser). This variant is not present in population databases (gnomAD no frequency). This variant has not been reported in the literature in individuals affected with ZNF687-related conditions. An algorithm developed to predict the effect of missense changes on protein structure and function (PolyPhen-2) suggests that this variant is likely to be tolerated. In summary, the available evidence is currently insufficient to determine the role of this variant in disease. Therefore, it has been classified as a Variant of Uncertain Significance.